The following is an entry in ClinVar:

NM_024595.3(AKIRIN1):c.568+10G>A

Gene: AKIRIN1 (akirin 1; plus strand). Cytogenetic location: 1p34.3.
Variant type: single nucleotide variant.
Coding change: c.568+10G>A on transcript NM_024595.3 (MANE Select); 10 bases into the intron after coding-DNA position 568, G replaced by A.
Molecular consequence: intron variant.
Genome position (GRCh38, 1-based): chr1:39,003,428, G>A. VCF-style: chr1-39003428-G-A. GRCh37 (hg19) VCF-style: chr1-39469100-G-A.
Other names: c.433+10G>A (NM_001136275.2).
Identifiers: ClinVar variation 3043682 (VCV003043682.2), dbSNP rs371595556, ClinGen allele CA778814.
Genomic context (GRCh38, chr1:39,003,428, plus strand): 5'-AATTCACACATGATCAGATTATGCGACGGTATGGGACAAGGCCAACAAGCTGTAAGTATT[G>A]CCACATTTTCTTTGAATTTTCTAAGTTTCAAGAGCAAAATTTCTACACTGAAACTTCTCT-3'

ClinVar aggregate classification (germline): Likely benign (0 of 4 stars; one submission).

Conditions:
AKIRIN1-related disorder. Also called: AKIRIN1-related condition.

Allele frequency attached by ClinVar (database versions not stated): gnomAD 0.00014; TOPMed 0.00014; ExAC 0.00015; ESP Exome Variant Server 0.00015; gnomAD exomes 0.00025.
gnomAD v4.1: 380 of 1,609,570 alleles (0.024%); highest among the groups gnomAD compares: Non-Finnish European, 0.031%; no homozygotes.

Submission:

PreventionGenetics, part of Exact Sciences
Classification: Likely benign for AKIRIN1-related condition. Last evaluated: 2019-08-05. Review status: no assertion criteria provided. Collection method: clinical testing. Allele origin: germline.
Comment: This variant is classified as likely benign based on ACMG/AMP sequence variant interpretation guidelines (Richards et al. 2015 PMID: 25741868, with internal and published modifications).